The following is an entry in ClinVar:

ClinVar aggregate classification (germline): Uncertain significance (1 of 4 stars; one submission).

Conditions:
Hyper-IgE recurrent infection syndrome 5, autosomal recessive. Also called: HYPER-IgE SYNDROME 5, AUTOSOMAL RECESSIVE, WITH RECURRENT INFECTIONS. Identifiers: MedGen C5394550, MONDO:0030069, OMIM 618944.

Allele frequency attached by ClinVar (database versions not stated): gnomAD 0.00001; TOPMed 0.00001; gnomAD exomes 0.00002; ExAC 0.00003; ESP Exome Variant Server 0.00015.
gnomAD v4.1: 26 of 1,613,854 alleles (0.0016%); highest among the groups gnomAD compares: Middle Eastern, 0.017%; no homozygotes.

Submission:

Neuberg Centre For Genomic Medicine, NCGM
Classification: Uncertain significance for Hyper-IgE recurrent infection syndrome 5, autosomal recessive. Review status: criteria provided, single submitter. Criteria: ACMG Guidelines, 2015. Collection method: clinical testing. Allele origin: germline. Inheritance: Autosomal recessive inheritance. Affected: yes.
Comment: The observed missense c.368G>A (p.Arg123Gln) variant in IL6R gene has not been reported previously as a pathogenic variant nor as a benign variant, to our knowledge. The p.Arg123Gln variant is reported with allele frequency of 0.002% in gnomAD Exomes. This variant has not been submitted to the ClinVar database. The amino acid change p.Arg123Gln in IL6R is predicted as conserved by GERP++ and PhyloP across 100 vertebrates. The amino acid Arg at position 123 is changed to a Gln changing protein sequence and it might alter its composition and physico-chemical properties. Computational evidence (Polyphen, SIFT and MutationTaster) predicts conflicting evidence on protein structure and function for this variant. For these reasons, this variant has been classified as a Variant of Uncertain Significance (VUS).

NM_000565.4(IL6R):c.368G>A (p.Arg123Gln)

Gene: IL6R (interleukin 6 receptor; plus strand). Cytogenetic location: 1q21.3.
Variant type: single nucleotide variant.
Coding change: c.368G>A on transcript NM_000565.4 (MANE Select); coding-DNA position 368, G replaced by A.
Protein change: p.Arg123Gln; replaces arginine 123 with glutamine.
Molecular consequence: missense variant. On other transcripts: intron variant (1).
Genome position (GRCh38, 1-based): chr1:154,430,516, G>A. VCF-style: chr1-154430516-G-A. GRCh37 (hg19) VCF-style: chr1-154402992-G-A.
Other names: c.368G>A, p.Arg123Gln (NM_001206866.2, NM_001382769.1, NM_001382770.1 and 4 more transcripts); c.126+1280G>A (NM_001382774.1); short protein forms R123Q.
Identifiers: ClinVar variation 3250425 (VCV003250425.1), dbSNP rs200103743.